The following is an entry in ClinVar:

ClinVar aggregate classification (germline): Conflicting classifications of pathogenicity. Review status: criteria provided, conflicting classifications (1 of 4 stars). 21 submissions from 21 submitters: Uncertain significance (4); Benign (1); Likely benign (9). 7 of the submissions do not count toward it. Last evaluated 2026-08-01.

Conditions:
Cardiovascular phenotype. Identifiers: MedGen CN230736.
Cardiomyopathy (CMYO). Also called: Cardiomyopathies. Identifiers: Orphanet 167848, MedGen C0878544, MONDO:0004994, HP:0001638. Inheritance: Various modes of inheritance.
Dilated cardiomyopathy 1DD (CMD1DD). Identifiers: Orphanet 154, MedGen C2750995, MONDO:0013168, OMIM 613172.

Allele frequency attached by ClinVar (database versions not stated): 1000 Genomes Project 0.00040; TOPMed 0.00130; ESP Exome Variant Server 0.00285; gnomAD exomes 0.00095 and 0.00207; gnomAD 0.00123 and 0.00126; 1000 Genomes Project 30x 0.00062; ExAC 0.00093.
gnomAD v4.1: 3,087 of 1,551,300 alleles (0.2%); highest among the groups gnomAD compares: Non-Finnish European, 0.25%; 6 homozygotes.

Submissions (21):

CeGaT Center for Human Genetics Tuebingen
Classification: Likely benign. Last evaluated: 2026-08-01. Review status: criteria provided, single submitter. Criteria: CeGaT Center For Human Genetics Tuebingen Variant Classification Criteria Version 2. Collection method: clinical testing. Allele origin: germline. Affected: yes. Observed: 2 variant alleles.
Comment: RBM20: BS1

Labcorp Genetics (formerly Invitae), Labcorp
Classification: Likely benign for Dilated cardiomyopathy 1DD. Last evaluated: 2026-02-01. Review status: criteria provided, single submitter. Criteria: Invitae Variant Classification Sherloc (09022015). Collection method: clinical testing. Allele origin: germline.

Laboratory of Genetics, Children's Clinical University Hospital Latvia
Classification: Likely benign. Last evaluated: 2025-02-16. Review status: criteria provided, single submitter. Criteria: ACMG Guidelines, 2015. Collection method: clinical testing. Allele origin: germline. Affected: yes.

Blueprint Genetics
Classification: Likely benign. Last evaluated: 2024-11-06. Review status: criteria provided, single submitter. Criteria: ACMG Guidelines, 2015. Collection method: clinical testing. Allele origin: germline.

ARUP Laboratories, Molecular Genetics and Genomics, ARUP Laboratories
Classification: Uncertain significance for Dilated cardiomyopathy 1DD. Last evaluated: 2022-09-12. Review status: criteria provided, single submitter. Criteria: ARUP Molecular Germline Variant Investigation Process 2021. Collection method: clinical testing. Allele origin: germline.
Comment: The p.Leu429Pro variant (rs61735272) has not been reported in the medical literature. The p.Leu429Pro variant is listed in the Genome Aggregation Database (gnomAD) browser with an allele frequency of 0.17% in the non-Finnish European population (identified in 122 out of 73,780 chromosomes), and is classified as likely benign by multiple labs in ClinVar (Variant ID: 43969). The leucine at codon 429 is weakly conserved considering 11 species (Alamut software v2.10.0), but computational analyses predict conflicting effects of this variant on protein structure/function (SIFT: tolerated, PolyPhen2: benign, MutationTaster: disease causing). Based on the available information, the clinical significance of the p.Leu429Pro variant cannot be determined with certainty.

GeneDx
Classification: Likely benign. Last evaluated: 2022-02-11. Review status: criteria provided, single submitter. Criteria: GeneDx Variant Classification Process June 2021. Collection method: clinical testing. Allele origin: germline. Affected: yes.
Comment: See Variant Classification Assertion Criteria.

Women's Health and Genetics/Laboratory Corporation of America, LabCorp
Classification: Benign. Last evaluated: 2020-12-21. Review status: criteria provided, single submitter. Criteria: LabCorp Variant Classification Summary - May 2015. Collection method: clinical testing. Allele origin: germline.
Comment: Variant summary: RBM20 c.1286T>C (p.Leu429Pro) results in a non-conservative amino acid change located in the Matrin/U1-C-like C2H2-type zinc finger domain (IPR003604) of the encoded protein sequence. Three of five in-silico tools predict a benign effect of the variant on protein function. The variant allele was found at a frequency of 0.0012 in 151016 control chromosomes, predominantly at a frequency of 0.0021 within the Non-Finnish European subpopulation in the gnomAD database (v3.1), including 1 homozygote. The observed variant frequency within Non-Finnish European control individuals in the gnomAD database is approximately 45-fold of the estimated maximal expected allele frequency for a pathogenic variant in RBM20 causing Dilated Cardiomyopathy phenotype (4.7e-05), strongly suggesting that the variant is a benign polymorphism found primarily in populations of Non-Finnish European origin. To our knowledge, no occurrence of c.1286T>C in individuals affected with Dilated Cardiomyopathy and no experimental evidence demonstrating its impact on protein function have been reported. Ten clinical diagnostic laboratories have submitted clinical-significance assessments for this variant to ClinVar after 2014 without evidence for independent evaluation. Multiple laboratories reported the variant with conflicting assessments (i.e. 5 calling it likely benign and 5 classifying it as VUS). Based on the evidence outlined above, the variant was classified as benign.

Center for Advanced Laboratory Medicine, UC San Diego Health, University of California San Diego
Classification: Likely benign for Cardiomyopathy. Last evaluated: 2019-01-10. Review status: criteria provided, single submitter. Criteria: ACMG Guidelines, 2015. Collection method: clinical testing. Allele origin: germline. Affected: yes. Observed: 1 variant allele.

Ambry Genetics
Classification: Likely benign for Cardiovascular phenotype. Last evaluated: 2018-12-31. Review status: criteria provided, single submitter. Criteria: Ambry Variant Classification Scheme 2023. Collection method: clinical testing. Allele origin: germline.

Illumina Laboratory Services, Illumina
Classification: Uncertain significance for Dilated cardiomyopathy 1DD. Last evaluated: 2018-01-12. Review status: criteria provided, single submitter. Criteria: ICSL Variant Classification Criteria 13 December 2019. Collection method: clinical testing. Allele origin: germline.

Molecular Diagnostic Laboratory for Inherited Cardiovascular Disease, Montreal Heart Institute
Classification: Likely benign. Last evaluated: 2017-05-23. Review status: criteria provided, single submitter. Criteria: ACMG Guidelines, 2015. Collection method: clinical testing. Allele origin: germline. Affected: yes.

Stanford Center for Inherited Cardiovascular Disease, Stanford University
Classification: Uncertain significance. Last evaluated: 2016-04-14. Review status: criteria provided, single submitter. Criteria: ACMG Guidelines, 2015. Collection method: provider interpretation. Allele origin: germline.

CHEO Genetics Diagnostic Laboratory, Children's Hospital of Eastern Ontario
Classification: Uncertain significance for Cardiomyopathy. Last evaluated: 2016-04-12. Review status: criteria provided, single submitter. Criteria: ACMG Guidelines, 2015. Collection method: clinical testing. Allele origin: germline. Study: Canadian Open Genetics Repository.

Laboratory for Molecular Medicine, Mass General Brigham Personalized Medicine
Classification: Likely benign. Last evaluated: 2012-11-30. Review status: criteria provided, single submitter. Criteria: LMM Criteria. Collection method: clinical testing. Allele origin: germline. Observed: 1 variant allele.
Comment: Leu429Pro in exon 3 of RBM20: This variant is not expected to have clinical sign ificance because it has been identified in 0.4% (13/3182) of European American c hromosomes from a broad population by the NHLBI Exome Sequencing Project. Leu429Pro in exon 3 of RBM20 (rs617352 72; allele frequency = 0.4%, 13/3182) **

Division of Human Genetics, Children's Hospital of Philadelphia
Classification: Uncertain significance for Dilated cardiomyopathy 1DD. Last evaluated: 2015-08-20. Review status: no assertion criteria provided. Collection method: research. Allele origin: germline. Affected: yes. Study: CSER-PediSeq. Not counted in ClinVar's aggregate classification.

Clinical Genetics DNA and cytogenetics Diagnostics Lab, Erasmus MC, Erasmus Medical Center
Classification: Likely benign. Review status: no assertion criteria provided. Collection method: clinical testing. Allele origin: germline. Affected: yes. Study: VKGL Data-share Consensus. Not counted in ClinVar's aggregate classification.

Clinical Genetics, Academic Medical Center
Classification: Benign. Review status: no assertion criteria provided. Collection method: clinical testing. Allele origin: germline. Affected: yes. Study: VKGL Data-share Consensus. Not counted in ClinVar's aggregate classification.

Diagnostic Laboratory, Department of Genetics, University Medical Center Groningen
Classification: Likely benign for Dilated cardiomyopathy 1DD. Review status: no assertion criteria provided. Collection method: clinical testing. Allele origin: germline. Affected: yes. Study: VKGL Data-share Consensus. Not counted in ClinVar's aggregate classification.

Genome Diagnostics Laboratory, University Medical Center Utrecht
Classification: Likely benign. Review status: no assertion criteria provided. Collection method: clinical testing. Allele origin: germline. Affected: yes. Study: VKGL Data-share Consensus. Not counted in ClinVar's aggregate classification.

Joint Genome Diagnostic Labs from Nijmegen and Maastricht, Radboudumc and MUMC+
Classification: Likely benign. Review status: no assertion criteria provided. Collection method: clinical testing. Allele origin: germline. Affected: yes. Study: VKGL Data-share Consensus. Not counted in ClinVar's aggregate classification.

Laboratory of Diagnostic Genome Analysis, Leiden University Medical Center (LUMC)
Classification: Likely benign. Review status: no assertion criteria provided. Collection method: clinical testing. Allele origin: germline. Affected: yes. Study: VKGL Data-share Consensus. Not counted in ClinVar's aggregate classification.

Literature cited by the submitters: PubMed 28301460 (cited by Women's Health and Genetics/Laboratory Corporation of America, LabCorp).

NM_001134363.3(RBM20):c.1286T>C (p.Leu429Pro)

Gene: RBM20 (RNA binding motif protein 20; plus strand). Cytogenetic location: 10q25.2.
Variant type: single nucleotide variant.
Coding change: c.1286T>C on transcript NM_001134363.3 (MANE Select); coding-DNA position 1286, T replaced by C.
Protein change: p.Leu429Pro; replaces leucine 429 with proline.
Molecular consequence: missense variant.
Genome position (GRCh38, 1-based): chr10:110,783,376, T>C. VCF-style: chr10-110783376-T-C. GRCh37 (hg19) VCF-style: chr10-112543134-T-C.
Other names: p.L429P:CTG>CCG; short protein forms L429P.
Identifiers: ClinVar variation 43969 (VCV000043969.64), dbSNP rs61735272, ClinGen allele CA133261.